The following is an entry in ClinVar:

NM_003002.4(SDHD):c.73G>T (p.Val25Leu)

Gene: SDHD (succinate dehydrogenase complex subunit D; plus strand). Cytogenetic location: 11q23.1.
Variant type: single nucleotide variant.
Coding change: c.73G>T on transcript NM_003002.4 (MANE Select); coding-DNA position 73, G replaced by T.
Protein change: p.Val25Leu; replaces valine 25 with leucine.
Molecular consequence: missense variant. On other transcripts: non-coding transcript variant (1), intron variant (1).
Genome position (GRCh38, 1-based): chr11:112,087,877, G>T. VCF-style: chr11-112087877-G-T. GRCh37 (hg19) VCF-style: chr11-111958601-G-T.
Other names: c.73G>T, p.Val25Leu (NM_001276503.2, NM_001276506.2); c.52+918G>T (NM_001276504.2); short protein forms V25L.
Identifiers: ClinVar variation 239475 (VCV000239475.14), dbSNP rs878854597, ClinGen allele CA10582868.

ClinVar aggregate classification (germline): Uncertain significance. Review status: criteria provided, multiple submitters, no conflicts (2 of 4 stars). 2 submissions from 2 submitters: Uncertain significance (2). Last evaluated 2025-05-19.

Conditions:
Carney-Stratakis syndrome. Also called: PARAGANGLIOMA AND GASTROINTESTINAL STROMAL TUMOR. Identifiers: Orphanet 97286, MedGen C1847319, MONDO:0011740, OMIM 606864.
Pheochromocytoma. Also called: MAX-Related Hereditary Paraganglioma-Pheochromocytoma Syndrome. Identifiers: Orphanet 29072, MedGen C0031511, MONDO:0008233, OMIM 171300, HP:0002666.
Paragangliomas with sensorineural hearing loss. Identifiers: MedGen C1868633.
Cowden syndrome 3 (CWS3). Identifiers: Orphanet 201, MedGen CN166604, MONDO:0014045.
Hereditary cancer-predisposing syndrome. Also called: Neoplastic Syndromes, Hereditary; Hereditary neoplastic syndrome; Tumor predisposition; Hereditary Cancer Syndrome. Identifiers: Orphanet 140162, MedGen C0027672, MeSH D009386, MONDO:0015356.

Submissions (2):

Labcorp Genetics (formerly Invitae), Labcorp
Classification: Uncertain significance for Carney-Stratakis syndrome; Paragangliomas with sensorineural hearing loss; Pheochromocytoma; Cowden syndrome 3. Last evaluated: 2025-05-19. Review status: criteria provided, single submitter. Criteria: Invitae Variant Classification Sherloc (09022015). Collection method: clinical testing. Allele origin: germline.
Comment: This sequence change replaces valine, which is neutral and non-polar, with leucine, which is neutral and non-polar, at codon 25 of the SDHD protein (p.Val25Leu). This variant is not present in population databases (gnomAD no frequency). This variant has not been reported in the literature in individuals affected with SDHD-related conditions. ClinVar contains an entry for this variant (Variation ID: 239475). Invitae Evidence Modeling of protein sequence and biophysical properties (such as structural, functional, and spatial information, amino acid conservation, physicochemical variation, residue mobility, and thermodynamic stability) indicates that this missense variant is not expected to disrupt SDHD protein function with a negative predictive value of 95%. In summary, the available evidence is currently insufficient to determine the role of this variant in disease. Therefore, it has been classified as a Variant of Uncertain Significance.

Ambry Genetics
Classification: Uncertain significance for Hereditary cancer-predisposing syndrome. Last evaluated: 2022-04-12. Review status: criteria provided, single submitter. Criteria: Ambry Variant Classification Scheme 2023. Collection method: clinical testing. Allele origin: germline.
Comment: The p.V25L variant (also known as c.73G>T), located in coding exon 2 of the SDHD gene, results from a G to T substitution at nucleotide position 73. The valine at codon 25 is replaced by leucine, an amino acid with highly similar properties. This amino acid position is conserved. In addition, this alteration is predicted to be deleterious by in silico analysis. Since supporting evidence is limited at this time, the clinical significance of this alteration remains unclear.